The following is an entry in ClinVar:

NM_007254.4(PNKP):c.811G>A (p.Glu271Lys)

Gene: PNKP (polynucleotide kinase 3'-phosphatase; minus strand). Cytogenetic location: 19q13.33.
Variant type: single nucleotide variant.
Coding change: c.811G>A on transcript NM_007254.4 (MANE Select); coding-DNA position 811, G replaced by A.
Protein change: p.Glu271Lys; replaces glutamic acid 271 with lysine.
Molecular consequence: missense variant.
Genome position (GRCh38, 1-based): chr19:49,863,694, C>T on the plus strand (G>A on the coding strand, the complement: PNKP is on the minus strand). VCF-style: chr19-49863694-C-T. GRCh37 (hg19) VCF-style: chr19-50366951-C-T.
Other names: short protein forms E271K.
Identifiers: ClinVar variation 652349 (VCV000652349.8), dbSNP rs1028247558, ClinGen allele CA309496190.

ClinVar aggregate classification (germline): Uncertain significance. Review status: criteria provided, multiple submitters, no conflicts (2 of 4 stars). 2 submissions from 2 submitters: Uncertain significance (2). Last evaluated 2023-12-06.

Conditions:
Developmental and epileptic encephalopathy, 12 (DEE12). Identifiers: MedGen C3150988, MONDO:0013389, OMIM 613722.
Ataxia - oculomotor apraxia type 4. Identifiers: Orphanet 459033, MedGen C4225397, MONDO:0014557, OMIM 616267.

Allele frequency attached by ClinVar (database versions not stated): TOPMed 0.00001; gnomAD exomes 0.00002.
gnomAD v4.1: 7 of 1,554,244 alleles (0.00045%); highest among the groups gnomAD compares: Admixed American, 0.0078%; no homozygotes.

Submissions (2):

Labcorp Genetics (formerly Invitae), Labcorp
Classification: Uncertain significance for Developmental and epileptic encephalopathy, 12. Last evaluated: 2023-12-06. Review status: criteria provided, single submitter. Criteria: Invitae Variant Classification Sherloc (09022015). Collection method: clinical testing. Allele origin: germline.
Comment: This sequence change replaces glutamic acid, which is acidic and polar, with lysine, which is basic and polar, at codon 271 of the PNKP protein (p.Glu271Lys). This variant is present in population databases (no rsID available, gnomAD 0.01%). This variant has not been reported in the literature in individuals affected with PNKP-related conditions. ClinVar contains an entry for this variant (Variation ID: 652349). Advanced modeling of protein sequence and biophysical properties (such as structural, functional, and spatial information, amino acid conservation, physicochemical variation, residue mobility, and thermodynamic stability) performed at Invitae indicates that this missense variant is not expected to disrupt PNKP protein function with a negative predictive value of 80%. In summary, the available evidence is currently insufficient to determine the role of this variant in disease. Therefore, it has been classified as a Variant of Uncertain Significance.

Baylor Genetics
Classification: Uncertain significance for Ataxia - oculomotor apraxia type 4. Last evaluated: 2018-09-11. Review status: criteria provided, single submitter. Criteria: ACMG Guidelines, 2015. Collection method: clinical testing. Allele origin: maternal. Affected: yes.
Comment: This variant was determined to be of uncertain significance according to ACMG Guidelines, 2015 [PMID:25741868].